The following is an entry in ClinVar:

ClinVar aggregate classification (germline): Benign/Likely benign. Review status: criteria provided, multiple submitters, no conflicts (2 of 4 stars). 5 submissions from 5 submitters: Benign (3); Likely benign (1). 1 of the submissions does not count toward it. Last evaluated 2026-02-04.

Conditions:
CD8A-related disorder. Also called: CD8A-related condition.
Susceptibility to respiratory infections associated with CD8alpha chain mutation (IMD116). Also called: IMMUNODEFICIENCY 116; Cd8 deficiency, familial. Identifiers: Orphanet 169085, MedGen C1837065, MONDO:0012161, OMIM 608957.

Allele frequency attached by ClinVar (database versions not stated): 1000 Genomes Project 0.00100; 1000 Genomes Project 30x 0.00125; TOPMed 0.00300; gnomAD 0.00310 and 0.00319; ExAC 0.00336; ESP Exome Variant Server 0.00346.
gnomAD v4.1: 8,266 of 1,612,602 alleles (0.51%); highest among the groups gnomAD compares: Non-Finnish European, 0.65%; 30 homozygotes.

Submissions (5):

Labcorp Genetics (formerly Invitae), Labcorp
Classification: Benign for Susceptibility to respiratory infections associated with CD8alpha chain mutation. Last evaluated: 2026-02-04. Review status: criteria provided, single submitter. Criteria: Invitae Variant Classification Sherloc (09022015). Collection method: clinical testing. Allele origin: germline.

Women's Health and Genetics/Laboratory Corporation of America, LabCorp
Classification: Benign. Last evaluated: 2026-01-22. Review status: criteria provided, single submitter. Criteria: LabCorp Variant Classification Summary - May 2015. Collection method: clinical testing. Allele origin: germline.

CeGaT Center for Human Genetics Tuebingen
Classification: Likely benign. Last evaluated: 2026-01-01. Review status: criteria provided, single submitter. Criteria: CeGaT Center For Human Genetics Tuebingen Variant Classification Criteria Version 2. Collection method: clinical testing. Allele origin: germline. Affected: yes. Observed: 9 variant alleles.
Comment: CD8A: BP4, BP7, BS2

Breakthrough Genomics
Classification: Benign. Review status: criteria provided, single submitter. Criteria: ACMG Guidelines, 2015. Collection method: not provided. Allele origin: germline. Inheritance: Autosomal recessive inheritance. Affected: yes.

PreventionGenetics, part of Exact Sciences
Classification: Likely benign for CD8A-related condition. Last evaluated: 2019-07-03. Review status: no assertion criteria provided. Collection method: clinical testing. Allele origin: germline. Not counted in ClinVar's aggregate classification.
Comment: This variant is classified as likely benign based on ACMG/AMP sequence variant interpretation guidelines (Richards et al. 2015 PMID: 25741868, with internal and published modifications).

NM_001768.7(CD8A):c.153G>T (p.Thr51=)

Gene: CD8A (CD8 subunit alpha; minus strand). Cytogenetic location: 2p11.2.
Variant type: single nucleotide variant.
Coding change: c.153G>T on transcript NM_001768.7 (MANE Select); coding-DNA position 153, G replaced by T.
Protein change: p.Thr51=; no amino-acid change (threonine 51 retained).
Molecular consequence: synonymous variant. On other transcripts: non-coding transcript variant (3).
Genome position (GRCh38, 1-based): chr2:86,790,578, C>A on the plus strand (G>T on the coding strand, the complement: CD8A is on the minus strand). VCF-style: chr2-86790578-C-A. GRCh37 (hg19) VCF-style: chr2-87017701-C-A.
Other names: c.153G>T, p.Thr51= (NM_001145873.1, NM_001382698.1, NM_171827.4).
Identifiers: ClinVar variation 464445 (VCV000464445.38), dbSNP rs147048705, ClinGen allele CA1751265.
Genomic context (GRCh38, chr2:86,790,578, plus strand): 5'-TAGGAGGAAGGTGGGACTGGCGGCGGCGCCGCGCGGCTGGAAGAGCCACGAGCAGCCCGA[C>A]GTCGGGTTGGACAGCAGCACCTGGCACTTCAGCTCCACTGTCTCGCCCAGGTTCCAGGTC-3'
Protein context (NP_001759.3, residues 41-61): LKCQVLLSNP[Thr51=]SGCSWLFQPR